The following is an entry in ClinVar:

NM_021975.4(RELA):c.1041G>C (p.Gln347His)

Gene: RELA (RELA proto-oncogene, NF-kB subunit; minus strand). Cytogenetic location: 11q13.1.
Variant type: single nucleotide variant.
Coding change: c.1041G>C on transcript NM_021975.4 (MANE Select); coding-DNA position 1041, G replaced by C.
Protein change: p.Gln347His; replaces glutamine 347 with histidine.
Molecular consequence: missense variant. On other transcripts: intron variant (1).
Genome position (GRCh38, 1-based): chr11:65,654,993, C>G on the plus strand (G>C on the coding strand, the complement: RELA is on the minus strand). VCF-style: chr11-65654993-C-G. GRCh37 (hg19) VCF-style: chr11-65422464-C-G.
Other names: c.1032G>C, p.Gln344His (NM_001145138.2); c.1041G>C, p.Gln347His (NM_001243985.2); c.1074G>C, p.Gln358His (NM_001404657.1); c.1014G>C, p.Gln338His (NM_001404658.1); c.828G>C, p.Gln276His (NM_001404659.1); c.723G>C, p.Gln241His (NM_001404660.1); c.660G>C, p.Gln220His (NM_001404661.1); c.948G>C, p.Gln316His (NM_001404662.1, NM_001404663.1); and 1 more; short protein forms Q276H, Q316H, Q220H, Q241H, Q347H, Q338H, Q344H, Q358H.
Identifiers: ClinVar variation 3688240 (VCV003688240.2).

ClinVar aggregate classification (germline): Uncertain significance (1 of 4 stars; one submission).

gnomAD v4.1: 3 of 1,596,538 alleles (0.00019%); highest among the groups gnomAD compares: African/African-American, 0.004%; no homozygotes.

Submission:

Labcorp Genetics (formerly Invitae), Labcorp
Classification: Uncertain significance. Last evaluated: 2024-05-01. Review status: criteria provided, single submitter. Criteria: Invitae Variant Classification Sherloc (09022015). Collection method: clinical testing. Allele origin: germline.
Comment: This sequence change replaces glutamine, which is neutral and polar, with histidine, which is basic and polar, at codon 347 of the RELA protein (p.Gln347His). This variant is present in population databases (no rsID available, gnomAD 0.005%). This variant has not been reported in the literature in individuals affected with RELA-related conditions. An algorithm developed to predict the effect of missense changes on protein structure and function (PolyPhen-2) suggests that this variant is likely to be disruptive. In summary, the available evidence is currently insufficient to determine the role of this variant in disease. Therefore, it has been classified as a Variant of Uncertain Significance.